The following is an entry in ClinVar:

ClinVar aggregate classification (germline): Uncertain significance. Review status: criteria provided, multiple submitters, no conflicts (2 of 4 stars). 2 submissions from 2 submitters: Uncertain significance (2). Last evaluated 2026-01-28.

Conditions:
Inborn genetic diseases. Identifiers: MedGen C0950123, MeSH D030342.

Allele frequency attached by ClinVar (database versions not stated): gnomAD 0.00004; ExAC 0.00007; TOPMed 0.00007; ESP Exome Variant Server 0.00023.
gnomAD v4.1: 141 of 1,612,114 alleles (0.0087%); highest among the groups gnomAD compares: Middle Eastern, 0.016%; no homozygotes.

Submissions (2):

Women's Health and Genetics/Laboratory Corporation of America, LabCorp
Classification: Uncertain significance. Last evaluated: 2026-01-28. Review status: criteria provided, single submitter. Criteria: LabCorp Variant Classification Summary - May 2015. Collection method: clinical testing. Allele origin: germline.
Comment: Variant summary: CCDC88C c.2150G>A (p.Arg717His) results in a non-conservative amino acid change in the encoded protein sequence. Algorithms developed to predict the effect of missense changes on protein structure and function are either unavailable or do not agree on the potential impact of this missense change. The variant allele was found at a frequency of 6e-05 in 248046 control chromosomes. This frequency is not significantly higher than estimated for disease-causing variants in CCDC88C, allowing no conclusion about variant significance. To our knowledge, no occurrence of c.2150G>A in individuals affected with CCDC88C-related conditions and no experimental evidence demonstrating its impact on protein function have been reported. ClinVar contains an entry for this variant (Variation ID: 2591616). Based on the evidence outlined above, the variant was classified as uncertain significance.

Ambry Genetics
Classification: Uncertain significance for Inborn genetic diseases. Last evaluated: 2025-08-28. Review status: criteria provided, single submitter. Criteria: Ambry Variant Classification Scheme 2023. Collection method: clinical testing. Allele origin: germline.

NM_001080414.4(CCDC88C):c.2150G>A (p.Arg717His)

Gene: CCDC88C (coiled-coil and HOOK domain protein 88C; minus strand). Cytogenetic location: 14q32.11.
Variant type: single nucleotide variant.
Coding change: c.2150G>A on transcript NM_001080414.4 (MANE Select); coding-DNA position 2150, G replaced by A.
Protein change: p.Arg717His; replaces arginine 717 with histidine.
Molecular consequence: missense variant.
Genome position (GRCh38, 1-based): chr14:91,313,666, C>T on the plus strand (G>A on the coding strand, the complement: CCDC88C is on the minus strand). VCF-style: chr14-91313666-C-T. GRCh37 (hg19) VCF-style: chr14-91780010-C-T.
Other names: short protein forms R717H.
Identifiers: ClinVar variation 2591616 (VCV002591616.4), dbSNP rs373146563, ClinGen allele CA7309733.